The following is an entry in ClinVar:

NM_001080467.3(MYO5B):c.4827C>T (p.Ala1609=)

Genes: MYO5B (myosin VB; minus strand), SNHG22 (small nucleolar RNA host gene 22; plus strand). Cytogenetic location: 18q21.1.
Variant type: single nucleotide variant.
Coding change: c.4827C>T on transcript NM_001080467.3 (MANE Select); coding-DNA position 4827, C replaced by T.
Protein change: p.Ala1609=; no amino-acid change (alanine 1609 retained).
Molecular consequence: synonymous variant.
Genome position (GRCh38, 1-based): chr18:49,839,169, G>A on the plus strand (C>T on the coding strand, the complement: MYO5B is on the minus strand). VCF-style: chr18-49839169-G-A. GRCh37 (hg19) VCF-style: chr18-47365539-G-A.
Other names: c.4827C>T (NM_001080467.2).
Identifiers: ClinVar variation 2915753 (VCV002915753.4), dbSNP rs369167986, ClinGen allele CA8960220.

ClinVar aggregate classification (germline): Likely benign. Review status: criteria provided, multiple submitters, no conflicts (2 of 4 stars). 2 submissions from 2 submitters: Likely benign (2). Last evaluated 2026-08-21.

Conditions:
MYO5B-related disorder. Also called: MYO5B-related condition.

Allele frequency attached by ClinVar (database versions not stated): ExAC 0.00001; ESP Exome Variant Server 0.00016.
gnomAD v4.1: 19 of 1,613,772 alleles (0.0012%); highest among the groups gnomAD compares: African/African-American, 0.013%; no homozygotes.

Submissions (2):

PreventionGenetics, part of Exact Sciences
Classification: Likely benign for MYO5B-related condition. Last evaluated: 2026-08-21. Review status: criteria provided, single submitter. Criteria: ACMG Guidelines, 2015. Collection method: clinical testing. Allele origin: germline.
Comment: This variant is classified as likely benign based on ACMG/AMP sequence variant interpretation guidelines (Richards et al. 2015 PMID: 25741868, with internal and published modifications).

Labcorp Genetics (formerly Invitae), Labcorp
Classification: Likely benign. Last evaluated: 2024-12-03. Review status: criteria provided, single submitter. Criteria: Invitae Variant Classification Sherloc (09022015). Collection method: clinical testing. Allele origin: germline.